The following is an entry in ClinVar:

ClinVar aggregate classification (germline): Conflicting classifications of pathogenicity. Review status: criteria provided, conflicting classifications (1 of 4 stars). 2 submissions from 2 submitters: Uncertain significance (1); Likely benign (1). Last evaluated 2025-03-18.

Conditions:
KDM4B-related disorder. Also called: KDM4B-related condition.
Inborn genetic diseases. Identifiers: MedGen C0950123, MeSH D030342.

Allele frequency attached by ClinVar (database versions not stated): ESP Exome Variant Server 0.00008; ExAC 0.00010; TOPMed 0.00013; gnomAD 0.00017.
gnomAD v4.1: 77 of 1,551,224 alleles (0.005%); highest among the groups gnomAD compares: African/African-American, 0.026%; no homozygotes.

Submissions (2):

PreventionGenetics, part of Exact Sciences
Classification: Likely benign for KDM4B-related condition. Last evaluated: 2025-03-18. Review status: criteria provided, single submitter. Criteria: ACMG Guidelines, 2015. Collection method: clinical testing. Allele origin: germline.
Comment: This variant is classified as likely benign based on ACMG/AMP sequence variant interpretation guidelines (Richards et al. 2015 PMID: 25741868, with internal and published modifications).

Ambry Genetics
Classification: Uncertain significance for Inborn genetic diseases. Last evaluated: 2025-01-24. Review status: criteria provided, single submitter. Criteria: Ambry Variant Classification Scheme 2023. Collection method: clinical testing. Allele origin: germline.

NM_015015.3(KDM4B):c.3058C>T (p.Arg1020Cys)

Gene: KDM4B (lysine demethylase 4B; plus strand). Cytogenetic location: 19p13.3.
Variant type: single nucleotide variant.
Coding change: c.3058C>T on transcript NM_015015.3 (MANE Select); coding-DNA position 3058, C replaced by T.
Protein change: p.Arg1020Cys; replaces arginine 1020 with cysteine.
Molecular consequence: missense variant.
Genome position (GRCh38, 1-based): chr19:5,150,394, C>T. VCF-style: chr19-5150394-C-T. GRCh37 (hg19) VCF-style: chr19-5150405-C-T.
Other names: c.3160C>T, p.Arg1054Cys (NM_001411148.1); short protein forms R1054C, R1020C.
Identifiers: ClinVar variation 2366214 (VCV002366214.4), dbSNP rs148375932, ClinGen allele CA9108475.